The following is an entry in ClinVar:

NM_004990.4(MARS1):c.1753+7A>G

Gene: MARS1 (methionyl-tRNA synthetase 1; plus strand). Cytogenetic location: 12q13.3.
Variant type: single nucleotide variant.
Coding change: c.1753+7A>G on transcript NM_004990.4 (MANE Select); 7 bases into the intron after coding-DNA position 1753, A replaced by G.
Molecular consequence: intron variant.
Genome position (GRCh38, 1-based): chr12:57,512,360, A>G. VCF-style: chr12-57512360-A-G. GRCh37 (hg19) VCF-style: chr12-57906143-A-G.
Other names: p.?.
Identifiers: ClinVar variation 374666 (VCV000374666.98), dbSNP rs117914586, ClinGen allele CA6650596.
Genomic context (GRCh38, chr12:57,512,360, plus strand): 5'-CAGCCCTAGGAGCTGAGGATAACTATACCTTGGTCAGCCACCTCATTGCTACAGGTAAGT[A>G]CCCTGGAAGACTACTGATGGGGTGTTCATAGGAAATGAGGGGTGAGGCAGTACTTGGAAA-3'

ClinVar aggregate classification (germline): Benign/Likely benign. Review status: criteria provided, multiple submitters, no conflicts (2 of 4 stars). 9 submissions from 9 submitters: Benign (4); Likely benign (4). 1 of the submissions does not count toward it. Last evaluated 2026-09-01.

Conditions:
MARS1-related disorder. Also called: MARS1-related condition.
Charcot-Marie-Tooth disease axonal type 2U. Also called: CHARCOT-MARIE-TOOTH NEUROPATHY, TYPE 2U; CHARCOT-MARIE-TOOTH DISEASE, AXONAL, AUTOSOMAL DOMINANT, TYPE 2U. Identifiers: Orphanet 397735, MedGen C4084821, MONDO:0014566, OMIM 616280.
Severe early-onset pulmonary alveolar proteinosis due to MARS deficiency. Also called: PULMONARY ALVEOLAR PROTEINOSIS, REUNION ISLAND; Interstitial lung and liver disease. Identifiers: Orphanet 440427, MedGen C4225400, MONDO:0014206, OMIM 615486.
Charcot-Marie-Tooth disease. Also called: Charcot-Marie-Tooth Neuropathy; Charcot-Marie-Tooth Hereditary Neuropathy. Identifiers: Orphanet 166, MedGen C0007959, MONDO:0015626.

Allele frequency attached by ClinVar (database versions not stated): 1000 Genomes Project 0.00220; 1000 Genomes Project 30x 0.00234; gnomAD 0.00400 and 0.00435; TOPMed 0.00431; gnomAD exomes 0.00437 and 0.00607; ExAC 0.00496; ESP Exome Variant Server 0.00523.
gnomAD v4.1: 9,284 of 1,586,112 alleles (0.59%); highest among the groups gnomAD compares: Non-Finnish European, 0.73%; 37 homozygotes.

Submissions (9):

CeGaT Center for Human Genetics Tuebingen
Classification: Likely benign. Last evaluated: 2026-09-01. Review status: criteria provided, single submitter. Criteria: CeGaT Center For Human Genetics Tuebingen Variant Classification Criteria Version 2. Collection method: clinical testing. Allele origin: germline. Affected: yes. Observed: 43 variant alleles.
Comment: MARS1: BP4, BS2

Labcorp Genetics (formerly Invitae), Labcorp
Classification: Benign for Charcot-Marie-Tooth disease axonal type 2U; Severe early-onset pulmonary alveolar proteinosis due to MARS deficiency. Last evaluated: 2026-01-25. Review status: criteria provided, single submitter. Criteria: Invitae Variant Classification Sherloc (09022015). Collection method: clinical testing. Allele origin: germline.

Blueprint Genetics
Classification: Likely benign. Last evaluated: 2024-11-25. Review status: criteria provided, single submitter. Criteria: ACMG Guidelines, 2015. Collection method: clinical testing. Allele origin: germline.

ARUP Laboratories, Molecular Genetics and Genomics, ARUP Laboratories
Classification: Benign. Last evaluated: 2021-08-24. Review status: criteria provided, single submitter. Criteria: ARUP Molecular Germline Variant Investigation Process 2021. Collection method: clinical testing. Allele origin: germline.

Mayo Clinic Laboratories, Mayo Clinic
Classification: Benign. Last evaluated: 2019-10-29. Review status: criteria provided, single submitter. Criteria: ACMG Guidelines, 2015. Collection method: clinical testing. Allele origin: germline. Observed: 25 variant alleles.

GeneDx
Classification: Likely benign. Last evaluated: 2018-02-16. Review status: criteria provided, single submitter. Criteria: GeneDx Variant Classification (06012015). Collection method: clinical testing. Allele origin: germline. Affected: yes.
Comment: This variant is considered likely benign or benign based on one or more of the following criteria: it is a conservative change, it occurs at a poorly conserved position in the protein, it is predicted to be benign by multiple in silico algorithms, and/or has population frequency not consistent with disease.

Breakthrough Genomics
Classification: Likely benign. Review status: criteria provided, single submitter. Criteria: ACMG Guidelines, 2015. Collection method: not provided. Allele origin: germline. Inheritance: Autosomal recessive inheritance. Affected: yes.

Molecular Genetics Laboratory, London Health Sciences Centre
Classification: Benign for Charcot-Marie-Tooth disease. Review status: criteria provided, single submitter. Criteria: ACMG Guidelines, 2015. Collection method: clinical testing. Allele origin: germline. Affected: yes.

PreventionGenetics, part of Exact Sciences
Classification: Benign for MARS1-related condition. Last evaluated: 2023-02-14. Review status: no assertion criteria provided. Collection method: clinical testing. Allele origin: germline. Not counted in ClinVar's aggregate classification.
Comment: This variant is classified as benign based on ACMG/AMP sequence variant interpretation guidelines (Richards et al. 2015 PMID: 25741868, with internal and published modifications).